The following is an entry in ClinVar:

ClinVar aggregate classification (germline): Uncertain significance (1 of 4 stars; one submission).

Conditions:
Autosomal recessive spinocerebellar ataxia 15. Also called: SALIH ATAXIA. Identifiers: Orphanet 404499, MedGen C3810326, MONDO:0014311, OMIM 615705.

Allele frequency attached by ClinVar (database versions not stated): gnomAD exomes below 0.00001; TOPMed below 0.00001.
gnomAD v4.1: 2 of 1,614,234 alleles (0.00012%); highest among the groups gnomAD compares: Middle Eastern, 0.017%; no homozygotes.

Submission:

Baylor Genetics
Classification: Uncertain significance for Autosomal recessive spinocerebellar ataxia 15. Last evaluated: 2020-04-23. Review status: criteria provided, single submitter. Criteria: ACMG Guidelines, 2015. Collection method: clinical testing. Allele origin: unknown. Affected: yes.
Comment: This variant was determined to be of uncertain significance according to ACMG Guidelines, 2015 [PMID:25741868].

NM_014687.4(RUBCN):c.124A>G (p.Thr42Ala)

Gene: RUBCN (rubicon autophagy regulator; minus strand). Cytogenetic location: 3q29.
Variant type: single nucleotide variant.
Coding change: c.124A>G on transcript NM_014687.4 (MANE Select); coding-DNA position 124, A replaced by G.
Protein change: p.Thr42Ala; replaces threonine 42 with alanine.
Molecular consequence: missense variant. On other transcripts: 5 prime UTR variant (1).
Genome position (GRCh38, 1-based): chr3:197,718,072, T>C on the plus strand (A>G on the coding strand, the complement: RUBCN is on the minus strand). VCF-style: chr3-197718072-T-C. GRCh37 (hg19) VCF-style: chr3-197444943-T-C.
Other names: c.-57A>G (NM_001145642.5); c.124A>G, p.Thr42Ala (NM_001346873.2); short protein forms T42A.
Identifiers: ClinVar variation 1030346 (VCV001030346.1), dbSNP rs1451522942, ClinGen allele CA355667260.